The following is an entry in ClinVar:

NM_001267550.2(TTN):c.49200G>A (p.Lys16400=)

Genes: TTN (titin; minus strand), TTN-AS1 (TTN antisense RNA 1; plus strand), LOC126806426 (BRD4-independent group 4 enhancer GRCh37_chr2:179478848-179480047; plus strand). Cytogenetic location: 2q31.2.
Variant type: single nucleotide variant.
Coding change: c.49200G>A on transcript NM_001267550.2 (MANE Select); coding-DNA position 49200, G replaced by A.
Protein change: p.Lys16400=; no amino-acid change (lysine 16400 retained).
Molecular consequence: synonymous variant. On other transcripts: non-coding transcript variant (1).
Genome position (GRCh38, 1-based): chr2:178,614,197, C>T on the plus strand (G>A on the coding strand, the complement: TTN is on the minus strand). VCF-style: chr2-178614197-C-T. GRCh37 (hg19) VCF-style: chr2-179478924-C-T.
Other names: c.44277G>A, p.Lys14759= (NM_001256850.1); c.22005G>A, p.Lys7335= (NM_003319.4); c.41496G>A, p.Lys13832= (NM_133378.4); c.22380G>A, p.Lys7460= (NM_133432.3); c.22581G>A, p.Lys7527= (NM_133437.4).
Identifiers: ClinVar variation 1167545 (VCV001167545.18), dbSNP rs539513077, ClinGen allele CA1994656.

ClinVar aggregate classification (germline): Benign/Likely benign. Review status: criteria provided, multiple submitters, no conflicts (2 of 4 stars). 4 submissions from 4 submitters: Benign (1); Likely benign (3). Last evaluated 2025-12-14.

Conditions:
Dilated cardiomyopathy 1G (CMD1G). Identifiers: Orphanet 154, MedGen C1858763, MONDO:0011400, OMIM 604145.
Autosomal recessive limb-girdle muscular dystrophy type 2J (LGMDR10). Also called: Limb-girdle muscular dystrophy, type 2J; MUSCULAR DYSTROPHY, LIMB-GIRDLE, AUTOSOMAL RECESSIVE 10. Identifiers: Orphanet 140922, MedGen C1837342, MONDO:0012127, OMIM 608807.
Cardiovascular phenotype. Identifiers: MedGen CN230736.

Allele frequency attached by ClinVar (database versions not stated): 1000 Genomes Project 30x 0.00016; ExAC 0.00019; gnomAD exomes 0.00019 and 0.00021; 1000 Genomes Project 0.00020; gnomAD 0.00027 and 0.00028.

Submissions (4):

Labcorp Genetics (formerly Invitae), Labcorp
Classification: Benign for Dilated cardiomyopathy 1G; Autosomal recessive limb-girdle muscular dystrophy type 2J. Last evaluated: 2025-12-14. Review status: criteria provided, single submitter. Criteria: Invitae Variant Classification Sherloc (09022015). Collection method: clinical testing. Allele origin: germline.

CeGaT Center for Human Genetics Tuebingen
Classification: Likely benign. Last evaluated: 2025-10-01. Review status: criteria provided, single submitter. Criteria: CeGaT Center For Human Genetics Tuebingen Variant Classification Criteria Version 2. Collection method: clinical testing. Allele origin: germline. Affected: yes. Observed: 1 variant allele.
Comment: TTN: BP4, BP7

Blueprint Genetics
Classification: Likely benign. Last evaluated: 2024-09-12. Review status: criteria provided, single submitter. Criteria: ACMG Guidelines, 2015. Collection method: clinical testing. Allele origin: germline.

Ambry Genetics
Classification: Likely benign for Cardiovascular phenotype. Last evaluated: 2019-11-14. Review status: criteria provided, single submitter. Criteria: Ambry Variant Classification Scheme 2023. Collection method: clinical testing. Allele origin: germline.